The following is an entry in ClinVar:

ClinVar aggregate classification (germline): Likely pathogenic. Review status: criteria provided, multiple submitters, no conflicts (2 of 4 stars). 2 submissions from 2 submitters: Likely pathogenic (2). Last evaluated 2025-05-16.

Conditions:
Marfan syndrome (MFS). Also called: MARFAN SYNDROME, TYPE I; Marfan syndrome type 1; Marfan's syndrome; Marfan syndrome, classic; FBN1-Related Marfan Syndrome. Identifiers: Orphanet 284963, Orphanet 558, MedGen C0024796, MONDO:0007947, OMIM 154700.
Familial thoracic aortic aneurysm and aortic dissection (TAAD). Also called: Thoracic aortic aneurysms and dissections. Identifiers: Orphanet 91387, MedGen C4707243, MONDO:0019625.

Submissions (2):

Institute of Human Genetics, University of Leipzig Medical Center
Classification: Likely pathogenic for Marfan syndrome. Last evaluated: 2025-05-16. Review status: criteria provided, single submitter. Criteria: ACMG Guidelines, 2015. Collection method: clinical testing. Allele origin: unknown. Inheritance: Autosomal dominant inheritance. Affected: yes.
Comment: Criteria applied: PM1,PM2,PP3,PP4

Labcorp Genetics (formerly Invitae), Labcorp
Classification: Likely pathogenic for Marfan syndrome; Familial thoracic aortic aneurysm and aortic dissection. Last evaluated: 2023-04-07. Review status: criteria provided, single submitter. Criteria: Invitae Variant Classification Sherloc (09022015). Collection method: clinical testing. Allele origin: germline.
Comment: In summary, the currently available evidence indicates that the variant is pathogenic, but additional data are needed to prove that conclusively. Therefore, this variant has been classified as Likely Pathogenic. This variant disrupts the p.Glu1241 amino acid residue in FBN1. Other variant(s) that disrupt this residue have been determined to be pathogenic (PMID: 19293843; Invitae). This suggests that this residue is clinically significant, and that variants that disrupt this residue are likely to be disease-causing. Advanced modeling of protein sequence and biophysical properties (such as structural, functional, and spatial information, amino acid conservation, physicochemical variation, residue mobility, and thermodynamic stability) performed at Invitae indicates that this missense variant is expected to disrupt FBN1 protein function. This missense change has been observed in individual(s) with aortic dissection (Invitae). This variant is not present in population databases (gnomAD no frequency). This sequence change replaces glutamic acid, which is acidic and polar, with lysine, which is basic and polar, at codon 1241 of the FBN1 protein (p.Glu1241Lys).

Literature cited by the submitters: PubMed 19293843 (cited by Labcorp Genetics (formerly Invitae), Labcorp).

NM_000138.5(FBN1):c.3721G>A (p.Glu1241Lys)

Gene: FBN1 (fibrillin 1; minus strand). Cytogenetic location: 15q21.1.
Variant type: single nucleotide variant.
Coding change: c.3721G>A on transcript NM_000138.5 (MANE Select); coding-DNA position 3721, G replaced by A.
Protein change: p.Glu1241Lys; replaces glutamic acid 1241 with lysine.
Molecular consequence: missense variant.
Genome position (GRCh38, 1-based): chr15:48,483,935, C>T on the plus strand (G>A on the coding strand, the complement: FBN1 is on the minus strand). VCF-style: chr15-48483935-C-T. GRCh37 (hg19) VCF-style: chr15-48776132-C-T.
Other names: c.3721G>A, p.Glu1241Lys (NM_001406716.1); short protein forms E1241K.
Identifiers: ClinVar variation 2946282 (VCV002946282.5), dbSNP rs2505541230, ClinGen allele CA392324205.